The following is an entry in ClinVar:

NM_013336.4(SEC61A1):c.1317C>T (p.Gly439=)

Genes: RUVBL1 (RuvB like AAA ATPase 1; minus strand), SEC61A1 (SEC61 translocon subunit alpha 1; plus strand). Cytogenetic location: 3q21.3.
Variant type: single nucleotide variant.
Coding change: c.1317C>T on transcript NM_013336.4 (MANE Select); coding-DNA position 1317, C replaced by T.
Protein change: p.Gly439=; no amino-acid change (glycine 439 retained).
Molecular consequence: synonymous variant. On other transcripts: intron variant (1).
Genome position (GRCh38, 1-based): chr3:128,069,548, C>T. VCF-style: chr3-128069548-C-T. GRCh37 (hg19) VCF-style: chr3-127788391-C-T.
Other names: p.Gly439=; c.1335C>T, p.Gly445= (NM_001400328.1); c.1158C>T, p.Gly386= (NM_001400329.1); c.940-4328G>A (NM_001319086.1).
Identifiers: ClinVar variation 1605982 (VCV001605982.28), dbSNP rs143929698, ClinGen allele CA2598635.
Genomic context (GRCh38, chr3:128,069,548, plus strand): 5'-AGCCGCGGCCTTTGGTGGGCTGTGCATCGGGGCCCTCTCGGTCCTGGCTGACTTCCTAGG[C>T]GCCATTGGGTCTGGAACCGGGATCCTGCTCGCAGTCACAATCATCTACCAGTACTTTGAG-3'
Protein context (NP_037468.1, residues 429-449): GALSVLADFL[Gly439=]AIGSGTGILL

ClinVar aggregate classification (germline): Likely benign. Review status: criteria provided, multiple submitters, no conflicts (2 of 4 stars). 5 submissions from 5 submitters: Likely benign (4). 1 of the submissions does not count toward it. Last evaluated 2025-12-23.

Conditions:
SEC61A1-related disorder. Also called: SEC61A1-related condition.

Allele frequency attached by ClinVar (database versions not stated): gnomAD exomes 0.00013 and 0.00027; gnomAD 0.00018 and 0.00021; ExAC 0.00012; TOPMed 0.00016; ESP Exome Variant Server 0.00031.
gnomAD v4.1: 411 of 1,613,936 alleles (0.025%); highest among the groups gnomAD compares: Non-Finnish European, 0.033%; 2 homozygotes.

Submissions (5):

Labcorp Genetics (formerly Invitae), Labcorp
Classification: Likely benign. Last evaluated: 2025-12-23. Review status: criteria provided, single submitter. Criteria: Invitae Variant Classification Sherloc (09022015). Collection method: clinical testing. Allele origin: germline.

Mayo Clinic Laboratories, Mayo Clinic
Classification: Likely benign. Last evaluated: 2025-10-01. Review status: criteria provided, single submitter. Criteria: ACMG Guidelines, 2015. Collection method: clinical testing. Allele origin: germline. Observed: 1 variant allele.
Comment: BP4, BP7

CeGaT Center for Human Genetics Tuebingen
Classification: Likely benign. Last evaluated: 2025-07-01. Review status: criteria provided, single submitter. Criteria: CeGaT Center For Human Genetics Tuebingen Variant Classification Criteria Version 2. Collection method: clinical testing. Allele origin: germline. Affected: yes. Observed: 3 variant alleles.
Comment: SEC61A1: BP4, BP7

Blueprint Genetics
Classification: Likely benign. Last evaluated: 2024-09-20. Review status: criteria provided, single submitter. Criteria: ACMG Guidelines, 2015. Collection method: clinical testing. Allele origin: germline.

PreventionGenetics, part of Exact Sciences
Classification: Likely benign for SEC61A1-related condition. Last evaluated: 2024-08-13. Review status: no assertion criteria provided. Collection method: clinical testing. Allele origin: germline. Not counted in ClinVar's aggregate classification.
Comment: This variant is classified as likely benign based on ACMG/AMP sequence variant interpretation guidelines (Richards et al. 2015 PMID: 25741868, with internal and published modifications).